The following is an entry in ClinVar:

NM_001365999.1(SZT2):c.5025-2A>G

Gene: SZT2 (SZT2 subunit of KICSTOR complex; plus strand). Cytogenetic location: 1p34.2.
Variant type: single nucleotide variant.
Coding change: c.5025-2A>G on transcript NM_001365999.1 (MANE Select); the canonical splice acceptor site of the intron before coding-DNA position 5025, A replaced by G.
Molecular consequence: splice acceptor variant.
Genome position (GRCh38, 1-based): chr1:43,431,458, A>G. VCF-style: chr1-43431458-A-G. GRCh37 (hg19) VCF-style: chr1-43897129-A-G.
Other names: c.4854-2A>G (NM_015284.4).
Identifiers: ClinVar variation 598948 (VCV000598948.7), dbSNP rs1557569831, ClinGen allele CA340023230.

ClinVar aggregate classification (germline): Likely pathogenic (1 of 4 stars; one submission).

Conditions:
Developmental and epileptic encephalopathy, 18 (DEE18). Also called: Early infantile epileptic encephalopathy 18. Identifiers: Orphanet 369894, MedGen C3809624, MONDO:0014201, OMIM 615476.

Submission:

Center for Personalized Medicine, Children's Hospital Los Angeles
Classification: Likely pathogenic. Last evaluated: 2018-11-19. Review status: criteria provided, single submitter. Criteria: ACMG Guidelines, 2015. Collection method: clinical testing. Allele origin: germline. Affected: yes.